The following is an entry in ClinVar:

ClinVar aggregate classification (germline): Pathogenic/Likely pathogenic. Review status: criteria provided, multiple submitters, no conflicts (2 of 4 stars). 2 submissions from 2 submitters: Pathogenic (1); Likely pathogenic (1). Last evaluated 2023-02-27.

Conditions:
Neuronal ceroid lipofuscinosis. Also called: Neuronal Ceroid Lipofuscinoses. Identifiers: Orphanet 216, Orphanet 79263, MedGen C0027877, MONDO:0016295. Disease mechanism: loss of function.
Neuronal ceroid lipofuscinosis 3 (CLN3). Identifiers: Orphanet 228346, MedGen C0751383, MONDO:0008767, OMIM 204200.

Allele frequency attached by ClinVar (database versions not stated): gnomAD exomes below 0.00001; TOPMed below 0.00001; ExAC 0.00001.
gnomAD v4.1: 3 of 1,608,418 alleles (0.00019%); highest among the groups gnomAD compares: Non-Finnish European, 0.00025%; no homozygotes.

Submissions (2):

Baylor Genetics
Classification: Likely pathogenic for Neuronal ceroid lipofuscinosis 3. Last evaluated: 2023-02-27. Review status: criteria provided, single submitter. Criteria: ACMG Guidelines, 2015. Collection method: clinical testing. Allele origin: unknown.

Labcorp Genetics (formerly Invitae), Labcorp
Classification: Pathogenic for Neuronal ceroid lipofuscinosis. Last evaluated: 2022-02-08. Review status: criteria provided, single submitter. Criteria: Invitae Variant Classification Sherloc (09022015). Collection method: clinical testing. Allele origin: germline.
Comment: For these reasons, this variant has been classified as Pathogenic. This variant has not been reported in the literature in individuals affected with CLN3-related conditions. The frequency data for this variant in the population databases is considered unreliable, as metrics indicate poor data quality at this position in the gnomAD database. This sequence change creates a premature translational stop signal (p.Trp42*) in the CLN3 gene. It is expected to result in an absent or disrupted protein product. Loss-of-function variants in CLN3 are known to be pathogenic (PMID: 9311735, 28542676).

Literature cited by the submitters: PubMed 9311735 (cited by Labcorp Genetics (formerly Invitae), Labcorp); PubMed 28542676 (cited by Labcorp Genetics (formerly Invitae), Labcorp).

NM_001042432.2(CLN3):c.126G>A (p.Trp42Ter)

Gene: CLN3 (CLN3 lysosomal/endosomal transmembrane protein, battenin; minus strand). Cytogenetic location: 16p12.1.
Variant type: single nucleotide variant.
Coding change: c.126G>A on transcript NM_001042432.2 (MANE Select); coding-DNA position 126, G replaced by A.
Protein change: p.Trp42Ter; replaces tryptophan 42 with a stop codon.
Molecular consequence: nonsense. On other transcripts: 5 prime UTR variant (3).
Genome position (GRCh38, 1-based): chr16:28,489,386, C>T on the plus strand (G>A on the coding strand, the complement: CLN3 is on the minus strand). VCF-style: chr16-28489386-C-T. GRCh37 (hg19) VCF-style: chr16-28500707-C-T.
Other names: c.126G>A, p.Trp42Ter (NM_000086.2, NM_001286104.2); c.-95G>A (NM_001286105.2); c.-37G>A (NM_001286109.2, NM_001286110.2); short protein forms W42*.
Identifiers: ClinVar variation 2201536 (VCV002201536.5), dbSNP rs781617143, ClinGen allele CA7981045.
Genomic context (GRCh38, chr16:28,489,386, plus strand): 5'-GATGTCGTGGGCGGCACTCAGCATCACCACATAAGAGAAGTTGTTGCAAAGGCCCAGCAG[C>T]CTGGAAGGAGCAGGACAGGTCTCAACTCCCTCCTCATCCTGCAGCCATCTGTAGCCTTTG-3'